The following is an entry in ClinVar:

ClinVar aggregate classification (germline): Benign (0 of 4 stars; one submission).

Conditions:
QRICH2-related disorder. Also called: QRICH2-related condition.

Allele frequency attached by ClinVar (database versions not stated): 1000 Genomes Project 30x 0.00890; 1000 Genomes Project 0.00998; gnomAD 0.01125; ExAC 0.01332; gnomAD exomes 0.01556.
gnomAD v4.1: 24,171 of 1,593,206 alleles (1.5%); highest among the groups gnomAD compares: South Asian, 3.1%; 235 homozygotes.

Submission:

PreventionGenetics, part of Exact Sciences
Classification: Benign for QRICH2-related condition. Last evaluated: 2019-05-17. Review status: no assertion criteria provided. Collection method: clinical testing. Allele origin: germline.
Comment: This variant is classified as benign based on ACMG/AMP sequence variant interpretation guidelines (Richards et al. 2015 PMID: 25741868, with internal and published modifications).

NM_001388453.1(QRICH2):c.2306A>G (p.His769Arg)

Gene: QRICH2 (glutamine rich 2; minus strand). Cytogenetic location: 17q25.1.
Variant type: single nucleotide variant.
Coding change: c.2306A>G on transcript NM_001388453.1 (MANE Select); coding-DNA position 2306, A replaced by G.
Protein change: p.His769Arg; replaces histidine 769 with arginine.
Molecular consequence: missense variant.
Genome position (GRCh38, 1-based): chr17:76,292,421, T>C on the plus strand (A>G on the coding strand, the complement: QRICH2 is on the minus strand). VCF-style: chr17-76292421-T-C. GRCh37 (hg19) VCF-style: chr17-74288502-T-C.
Other names: c.2306A>G, p.His769Arg (NM_032134.3); short protein forms H769R.
Identifiers: ClinVar variation 3037757 (VCV003037757.2), dbSNP rs143901735, ClinGen allele CA8784120.
Genomic context (GRCh38, chr17:76,292,421, plus strand): 5'-CGCTGAACTTCACCAGGTTGTGCCAAACCATGCTGATCCACTCCAGGTTGGACCAAACCA[T>C]GCTGATCTGCACCAGGTTGGACCAAACCACGCTGATCTGCACCAGGTGGGACCAAACCAC-3'
Protein context (NP_001375382.1, residues 759-779): RGLVQPGADQ[His769Arg]GLVQPGVDQH